The following is an entry in ClinVar:

NM_000212.3(ITGB3):c.1130T>C (p.Ile377Thr)

Gene: ITGB3 (integrin subunit beta 3; plus strand). Cytogenetic location: 17q21.32.
Variant type: single nucleotide variant.
Coding change: c.1130T>C on transcript NM_000212.3 (MANE Select); coding-DNA position 1130, T replaced by C.
Protein change: p.Ile377Thr; replaces isoleucine 377 with threonine.
Molecular consequence: missense variant.
Genome position (GRCh38, 1-based): chr17:47,290,958, T>C. VCF-style: chr17-47290958-T-C. GRCh37 (hg19) VCF-style: chr17-45368324-T-C.
Other names: c.1130T>C (NM_000212.2); short protein forms I377T.
Identifiers: ClinVar variation 1405690 (VCV001405690.6), dbSNP rs768738760, ClinGen allele CA8623172.

ClinVar aggregate classification (germline): Uncertain significance. Review status: criteria provided, multiple submitters, no conflicts (2 of 4 stars). 2 submissions from 2 submitters: Uncertain significance (2). Last evaluated 2024-12-13.

Conditions:
Inborn genetic diseases. Identifiers: MedGen C0950123, MeSH D030342.

Allele frequency attached by ClinVar (database versions not stated): gnomAD exomes below 0.00001; TOPMed below 0.00001; ExAC 0.00001.
gnomAD v4.1: 2 of 1,614,092 alleles (0.00012%); highest among the groups gnomAD compares: Non-Finnish European, 0.000085%; no homozygotes.

Submissions (2):

Ambry Genetics
Classification: Uncertain significance for Inborn genetic diseases. Last evaluated: 2024-12-13. Review status: criteria provided, single submitter. Criteria: Ambry Variant Classification Scheme 2023. Collection method: clinical testing. Allele origin: germline.

Labcorp Genetics (formerly Invitae), Labcorp
Classification: Uncertain significance. Last evaluated: 2021-08-30. Review status: criteria provided, single submitter. Criteria: Invitae Variant Classification Sherloc (09022015). Collection method: clinical testing. Allele origin: germline.
Comment: This sequence change replaces isoleucine with threonine at codon 377 of the ITGB3 protein (p.Ile377Thr). The isoleucine residue is highly conserved and there is a moderate physicochemical difference between isoleucine and threonine. This variant is present in population databases (rs768738760, ExAC 0.001%). This variant has not been reported in the literature in individuals affected with ITGB3-related conditions. Algorithms developed to predict the effect of missense changes on protein structure and function (SIFT, PolyPhen-2, Align-GVGD) all suggest that this variant is likely to be disruptive. In summary, the available evidence is currently insufficient to determine the role of this variant in disease. Therefore, it has been classified as a Variant of Uncertain Significance.